The following is an entry in ClinVar:

ClinVar aggregate classification (germline): Pathogenic (1 of 4 stars; one submission).

Conditions:
DICER1-related tumor predisposition. Also called: DICER1 syndrome; DICER1-related pleuropulmonary blastoma cancer predisposition syndrome. Identifiers: Orphanet 284343, MedGen C3839822, MONDO:0100216.

Submission:

Labcorp Genetics (formerly Invitae), Labcorp
Classification: Pathogenic for DICER1-related tumor predisposition. Last evaluated: 2022-05-10. Review status: criteria provided, single submitter. Criteria: Invitae Variant Classification Sherloc (09022015). Collection method: clinical testing. Allele origin: germline.
Comment: For these reasons, this variant has been classified as Pathogenic. This variant has not been reported in the literature in individuals affected with DICER1-related conditions. This variant is not present in population databases (gnomAD no frequency). This sequence change creates a premature translational stop signal (p.Ser1252*) in the DICER1 gene. It is expected to result in an absent or disrupted protein product. Loss-of-function variants in DICER1 are known to be pathogenic (PMID: 19556464, 21266384).

Literature cited by the submitters: PubMed 19556464; PubMed 21266384.

NM_177438.3(DICER1):c.3755del (p.Thr1251_Ser1252insTer)

Gene: DICER1 (dicer 1, ribonuclease III; minus strand). Cytogenetic location: 14q32.13.
Variant type: Deletion.
Coding change: c.3755del on transcript NM_177438.3 (MANE Select); coding-DNA position 3755, one base deleted (C; older notation c.3755delC).
Protein change: p.Thr1251_Ser1252insTer.
Molecular consequence: nonsense. On other transcripts: frameshift variant (1), non-coding transcript variant (6).
Genome position (GRCh38, 1-based): chr14:95,103,641, G deleted on the plus strand (C on the coding strand, the reverse complement: DICER1 is on the minus strand). VCF-style (leftmost placement, unchanged base first): chr14-95103640-TG-T. GRCh37 (hg19) VCF-style: chr14-95569977-TG-T.
Other names: c.3755del, p.Thr1251_Ser1252insTer (NM_001195573.1, NM_001271282.3, NM_001291628.2 and 12 more transcripts); c.3755delC, p.Ser1252Terfs (NM_001395681.1); c.3473del, p.Thr1157_Ser1158insTer (NM_001395686.1); c.3350del, p.Thr1116_Ser1117insTer (NM_001395687.1, NM_001395688.1, NM_001395689.1 and 2 more transcripts); c.3188del, p.Thr1062_Ser1063insTer (NM_001395691.1); c.2072del, p.Thr690_Ser691insTer (NM_001395697.1).
Identifiers: ClinVar variation 1992709 (VCV001992709.4), dbSNP rs2542698629, ClinGen allele CA2580088949.